The following is an entry in ClinVar:

NM_031924.8(RSPH3):c.-126C>A

Gene: RSPH3 (radial spoke head 3; minus strand). Cytogenetic location: 6q25.3.
Variant type: single nucleotide variant.
Coding change: c.-126C>A on transcript NM_031924.8 (MANE Select); 126 bases upstream of the start codon, C replaced by A.
Molecular consequence: 5 prime UTR variant. On other transcripts: missense variant (1), non-coding transcript variant (1).
Genome position (GRCh38, 1-based): chr6:158,999,676, G>T on the plus strand (C>A on the coding strand, the complement: RSPH3 is on the minus strand). VCF-style: chr6-158999676-G-T. GRCh37 (hg19) VCF-style: chr6-159420708-G-T.
Other names: c.301C>A, p.Pro101Thr (NM_001346418.1); short protein forms P101T.
Identifiers: ClinVar variation 1981667 (VCV001981667.4), dbSNP rs145292281, ClinGen allele CA151051859.
Genomic context (GRCh38, chr6:158,999,676, plus strand): 5'-TGTGGGACCCGGAGAGATGTAAGTAGTGCCAAGGGCAAGGATTCCGCGACGCGAGGAGAG[G>T]CGACAACAAGGGAGGCGGGCGGGACGGGAGGTTACCAGCGCAGGAGGTGGGAGCTATACT-3'

ClinVar aggregate classification (germline): Uncertain significance (1 of 4 stars; one submission).

Conditions:
Primary ciliary dyskinesia 32. Also called: CILIARY DYSKINESIA, PRIMARY, 32, WITHOUT SITUS INVERSUS. Identifiers: Orphanet 244, MedGen C4225311, MONDO:0014657, OMIM 616481.

Allele frequency attached by ClinVar (database versions not stated): gnomAD exomes 0.00001; ESP Exome Variant Server 0.00008.
gnomAD v4.1: 7 of 1,614,128 alleles (0.00043%); highest among the groups gnomAD compares: Non-Finnish European, 0.00059%; no homozygotes.

Submission:

Labcorp Genetics (formerly Invitae), Labcorp
Classification: Uncertain significance for Primary ciliary dyskinesia 32. Last evaluated: 2022-07-24. Review status: criteria provided, single submitter. Criteria: Invitae Variant Classification Sherloc (09022015). Collection method: clinical testing. Allele origin: germline.
Comment: In summary, the available evidence is currently insufficient to determine the role of this variant in disease. Therefore, it has been classified as a Variant of Uncertain Significance. Algorithms developed to predict the effect of missense changes on protein structure and function (SIFT, PolyPhen-2, Align-GVGD) all suggest that this variant is likely to be tolerated. This variant has not been reported in the literature in individuals affected with RSPH3-related conditions. This variant is not present in population databases (gnomAD no frequency). This sequence change replaces proline, which is neutral and non-polar, with threonine, which is neutral and polar, at codon 101 of the RSPH3 protein (p.Pro101Thr).